The following continues an entry in ClinVar:

NM_000051.4(ATM):c.9086G>A (p.Gly3029Asp)

ClinVar aggregate classification (germline): Conflicting classifications of pathogenicity. Uncertain significance (19); Likely benign (5).

Submissions 15 to 28 of 28:

CHEO Genetics Diagnostic Laboratory, Children's Hospital of Eastern Ontario
Classification: Uncertain significance for Breast and/or ovarian cancer. Last evaluated: 2023-04-05. Review status: criteria provided, single submitter. Criteria: ACMG Guidelines, 2015. Collection method: clinical testing. Allele origin: germline.

Department of Pathology and Laboratory Medicine, Sinai Health System
Classification: Uncertain significance for Familial cancer of breast. Last evaluated: 2022-07-20. Review status: criteria provided, single submitter. Criteria: ACMG Guidelines, 2015. Collection method: clinical testing. Allele origin: germline. Affected: yes.

MGZ Medical Genetics Center
Classification: Uncertain significance for Familial cancer of breast. Last evaluated: 2022-03-07. Review status: criteria provided, single submitter. Criteria: ACMG Guidelines, 2015. Collection method: clinical testing. Allele origin: germline. Affected: yes. Observed: 1 variant allele.
Comment: ACMG criteria applied: PM2_SUP, BP4

Genetic Services Laboratory, University of Chicago
Classification: Uncertain significance. Last evaluated: 2021-11-29. Review status: criteria provided, single submitter. Criteria: ACMG Guidelines, 2015. Collection method: clinical testing. Allele origin: germline. Affected: no.
Comment: DNA sequence analysis of the ATM gene demonstrated a sequence change, c.9086G>A, in exon 63 that results in an amino acid change, p.Gly3029Asp. This sequence change has been described in the gnomAD database with a frequency of 0.025% in the non-Finnish European subpopulation (dbSNP rs201199629). The p.Gly3029Asp change affects a moderately conserved amino acid residue located in a domain of the ATM protein that is known to be functional. In-silico pathogenicity prediction tools (SIFT, PolyPhen2, Align GVGD, REVEL) provide contradictory results for the p.Gly3029Asp substitution. This sequence change has previously been identified in individuals with breast and other cancers, as well as in populations of healthy controls (PMID: 19781682, 28779002, 29522266, 27978560, 33134171, 28135145, 28726808, Flossies√¢‚Ç¨‚Ñ¢s database). Due to insufficient evidence and the lack of functional studies, the clinical significance of the p.Gly3029Asp change remains unknown at this time.

Sema4
Classification: Uncertain significance for Hereditary cancer-predisposing syndrome. Last evaluated: 2021-06-23. Review status: criteria provided, single submitter. Criteria: Sema4 Curation Guidelines. Collection method: curation. Allele origin: germline.
Comment: The ATM c.9086G>A (p.G3029) variant has been reported in heterozygosity in individuals with a history of breast, colorectal, pancreatic cancer, as well as in healthy controls (PMID: 25186627, 20305132, 28726808, 28135145, 27978560, 19781682). It was observed in 32/129180 chromosomes in the European (non-Finnish) population, according to the Genome Aggregation Database (PMID: 32461654). This variant has been reported in ClinVar (Variation ID 127468). In silico tools suggest the impact of the variant on protein function is inconclusive, though these predictions have not been confirmed by functional studies. The evidence is insufficient to meet ACMG/AMP criteria for classifying the variant as benign or pathogenic. Thus, the clinical significance of this variant is currently uncertain.

St. Jude Molecular Pathology, St. Jude Children's Research Hospital
Classification: Uncertain significance for Ataxia-telangiectasia syndrome. Last evaluated: 2021-05-13. Review status: criteria provided, single submitter. Criteria: St. Jude Assertion Criteria 2020. Collection method: clinical testing. Allele origin: germline.
Comment: The ATM c.9086G>A (p.Gly3029Asp) missense change has a maximum frequency of 0.025% in gnomAD v2.1.1. Seven of seven in silico tools predict a benign effect of this variant on protein function (BP4), but to our knowledge these predictions have not been confirmed by functional assays. This variant has been reported in individuals with cancer including breast cancer, ovarian cancer, colorectal cancer, and rectal cancer (PS4; PMID: 19781682, 27978560, 28135145, 26689913, 23555315, 21787400). This variant is present 10x in the FLOSSIES database which contains genetic variants from women older than 70 years of age who have never had cancer (BS2). In summary, this variant meets criteria to be classified as of uncertain significance based on the ACMG/AMP criteria: PS4, BS2, BP4.

Molecular Oncology Research Center, Barretos Cancer Hospital
Classification: Uncertain significance for Hereditary breast ovarian cancer syndrome. Last evaluated: 2020-08-01. Review status: criteria provided, single submitter. Criteria: ACMG Guidelines, 2015. Collection method: research. Allele origin: germline. Affected: yes. Observed: 1 variant allele.

Baylor Genetics
Classification: Uncertain significance for Ataxia-telangiectasia syndrome. Last evaluated: 2019-07-05. Review status: criteria provided, single submitter. Criteria: ACMG Guidelines, 2015. Collection method: clinical testing. Allele origin: maternal. Affected: yes. Study: CSER-TexasKidsCanSeq.
Comment: This variant was determined to be of uncertain significance according to ACMG Guidelines, 2015 [PMID:25741868].

Athena Diagnostics
Classification: Uncertain significance. Last evaluated: 2019-02-18. Review status: criteria provided, single submitter. Criteria: Athena Diagnostics Criteria. Collection method: clinical testing. Allele origin: germline.

Mendelics
Classification: Uncertain significance for Ataxia-telangiectasia syndrome. Last evaluated: 2018-07-02. Review status: criteria provided, single submitter. Criteria: Mendelics Assertion Criteria 2017. Collection method: clinical testing. Allele origin: unknown.

Counsyl
Classification: Uncertain significance for Ataxia-telangiectasia syndrome. Last evaluated: 2018-05-04. Review status: no assertion criteria provided. Collection method: clinical testing. Allele origin: unknown. Not counted in ClinVar's aggregate classification.

Clinical Genetics DNA and cytogenetics Diagnostics Lab, Erasmus MC, Erasmus Medical Center
Classification: Uncertain significance. Review status: no assertion criteria provided. Collection method: clinical testing. Allele origin: germline. Affected: yes. Study: VKGL Data-share Consensus. Not counted in ClinVar's aggregate classification.

Diagnostic Laboratory, Department of Genetics, University Medical Center Groningen
Classification: Uncertain significance. Review status: no assertion criteria provided. Collection method: clinical testing. Allele origin: germline. Affected: yes. Study: VKGL Data-share Consensus. Not counted in ClinVar's aggregate classification.

Joint Genome Diagnostic Labs from Nijmegen and Maastricht, Radboudumc and MUMC+
Classification: Uncertain significance. Review status: no assertion criteria provided. Collection method: clinical testing. Allele origin: germline. Affected: yes. Study: VKGL Data-share Consensus. Not counted in ClinVar's aggregate classification.

Literature cited by the submitters: PubMed 28135145 (cited by 5 submitters); PubMed 32885271 (cited by Ambry Genetics); PubMed 35264596 (cited by Ambry Genetics and Women's Health and Genetics/Laboratory Corporation of America, LabCorp); PubMed 19781682 (cited by 4 submitters); PubMed 20305132 (cited by Women's Health and Genetics/Laboratory Corporation of America, LabCorp and Sema4); PubMed 25186627 (cited by Women's Health and Genetics/Laboratory Corporation of America, LabCorp and Sema4); PubMed 26689913 (cited by 3 submitters); PubMed 26787654 (cited by Women's Health and Genetics/Laboratory Corporation of America, LabCorp); PubMed 27978560 (cited by 4 submitters); PubMed 26917275 (cited by Women's Health and Genetics/Laboratory Corporation of America, LabCorp); PubMed 33134171 (cited by Women's Health and Genetics/Laboratory Corporation of America, LabCorp); PubMed 35534704 (cited by Women's Health and Genetics/Laboratory Corporation of America, LabCorp); PubMed 25085752 (cited by Myriad Genetics, Inc.); PubMed 28779002 (cited by Department of Pathology and Laboratory Medicine, Sinai Health System and Athena Diagnostics); PubMed 28726808 (cited by Sema4); PubMed 23555315 (cited by Athena Diagnostics); PubMed 21787400 (cited by Athena Diagnostics); PubMed 29684080 (cited by Athena Diagnostics).